The following is an entry in ClinVar:

ClinVar aggregate classification (germline): Uncertain significance (1 of 4 stars; one submission).

Submission:

GeneDx
Classification: Uncertain significance. Last evaluated: 2022-12-28. Review status: criteria provided, single submitter. Criteria: GeneDx Variant Classification Process June 2021. Collection method: clinical testing. Allele origin: germline.
Comment: Not observed at significant frequency in large population cohorts (gnomAD); In silico analysis supports that this missense variant has a deleterious effect on protein structure/function; Has not been previously published as pathogenic or benign to our knowledge

NM_001270.4(CHD1):c.1379G>C (p.Arg460Thr)

Gene: CHD1 (chromodomain helicase DNA binding protein 1; minus strand). Cytogenetic location: 5q15.
Variant type: single nucleotide variant.
Coding change: c.1379G>C on transcript NM_001270.4 (MANE Select); coding-DNA position 1379, G replaced by C.
Protein change: p.Arg460Thr; replaces arginine 460 with threonine.
Molecular consequence: missense variant. On other transcripts: non-coding transcript variant (2).
Genome position (GRCh38, 1-based): chr5:98,897,307, C>G on the plus strand (G>C on the coding strand, the complement: CHD1 is on the minus strand). VCF-style: chr5-98897307-C-G. GRCh37 (hg19) VCF-style: chr5-98233011-C-G.
Other names: c.1379G>C, p.Arg460Thr (NM_001364113.3, NM_001376194.2); short protein forms R460T.
Identifiers: ClinVar variation 1706408 (VCV001706408.3), dbSNP rs1554078856, ClinGen allele CA360519145.
Genomic context (GRCh38, chr5:98,897,307, plus strand): 5'-TCTAAGCCCTCATGTCCTCCAATATAGGATGGCTGCTTCTTCAGGGCTACAAACCTTGGC[C>G]TTTGTTTTAATACCTTTAGTAGAAATAAACATTATTATGTAGAGTTATTAAATATAAGAA-3'
Protein context (NP_001261.2, residues 450-470): PFKDCKVLKQ[Arg460Thr]PRFVALKKQP